The following is an entry in ClinVar:

ClinVar aggregate classification (germline): Uncertain significance (1 of 4 stars; one submission).

Submission:

Ambry Genetics
Classification: Uncertain significance. Last evaluated: 2025-03-23. Review status: criteria provided, single submitter. Criteria: Ambry Variant Classification Scheme 2023. Collection method: clinical testing. Allele origin: germline.
Comment: The p.L166F variant (also known as c.498G>T), located in coding exon 5 of the KIF1B gene, results from a G to T substitution at nucleotide position 498. The leucine at codon 166 is replaced by phenylalanine, an amino acid with highly similar properties. This amino acid position is conserved. In addition, this alteration is predicted to be deleterious by in silico analysis. The evidence for this gene-disease relationship is limited; therefore, the clinical significance of this alteration is unclear.

NM_001365951.3(KIF1B):c.498G>T (p.Leu166Phe)

Gene: KIF1B (kinesin family member 1B; plus strand). Cytogenetic location: 1p36.22.
Variant type: single nucleotide variant.
Coding change: c.498G>T on transcript NM_001365951.3 (MANE Select); coding-DNA position 498, G replaced by T.
Protein change: p.Leu166Phe; replaces leucine 166 with phenylalanine.
Molecular consequence: missense variant.
Genome position (GRCh38, 1-based): chr1:10,267,448, G>T. VCF-style: chr1-10267448-G-T. GRCh37 (hg19) VCF-style: chr1-10327506-G-T.
Other names: c.498G>T, p.Leu166Phe (NM_001365952.1, NM_001365953.1, NM_015074.3 and 1 more transcripts); short protein forms L166F.
Identifiers: ClinVar variation 1744588 (VCV001744588.3), dbSNP rs2521041962, ClinGen allele CA338329319.
Genomic context (GRCh38, chr1:10,267,448, plus strand): 5'-CATGGAAATTTACTGTGAAAGAGTACGAGATTTGCTGAATCCAAAAAACAAGGGTAATTT[G>T]CGTGTGCGTGAACACCCACTTCTTGGACCCTATGTGGAGGATCTGTCCAAGTTGGCAGTT-3'
Protein context (NP_001352880.1, residues 156-176): DLLNPKNKGN[Leu166Phe]RVREHPLLGP